The following is an entry in ClinVar:

ClinVar aggregate classification (germline): Benign/Likely benign. Review status: criteria provided, multiple submitters, no conflicts (2 of 4 stars). 5 submissions from 5 submitters: Benign (2); Likely benign (3). Last evaluated 2025-04-07.

Conditions:
Tuberous sclerosis 1 (TSC1). Identifiers: Orphanet 805, MedGen C1854465, MONDO:0008612, OMIM 191100.
Hereditary cancer-predisposing syndrome. Also called: Neoplastic Syndromes, Hereditary; Hereditary neoplastic syndrome; Tumor predisposition; Hereditary Cancer Syndrome. Identifiers: Orphanet 140162, MedGen C0027672, MeSH D009386, MONDO:0015356.

Allele frequency attached by ClinVar (database versions not stated): gnomAD exomes below 0.00001; ExAC 0.00001.
gnomAD v4.1: 1 of 1,614,190 alleles (0.000062%); highest among the groups gnomAD compares: South Asian, 0.0011%; no homozygotes.

Submissions (5):

Myriad Genetics, Inc.
Classification: Benign for Tuberous sclerosis 1. Last evaluated: 2025-04-07. Review status: criteria provided, single submitter. Criteria: Myriad Autosomal Dominant, Autosomal Recessive and X-Linked Classification Criteria (2023). Collection method: clinical testing. Allele origin: unknown.
Comment: This variant is considered benign. This variant is a silent/synonymous amino acid change and it is not expected to impact splicing.

Labcorp Genetics (formerly Invitae), Labcorp
Classification: Likely benign for Tuberous sclerosis 1. Last evaluated: 2025-02-10. Review status: criteria provided, single submitter. Criteria: Invitae Variant Classification Sherloc (09022015). Collection method: clinical testing. Allele origin: germline.

Ambry Genetics
Classification: Likely benign for Hereditary cancer-predisposing syndrome. Last evaluated: 2023-11-11. Review status: criteria provided, single submitter. Criteria: Ambry Variant Classification Scheme 2023. Collection method: clinical testing. Allele origin: germline.

Genome-Nilou Lab
Classification: Benign for Tuberous sclerosis 1. Last evaluated: 2021-11-07. Review status: criteria provided, single submitter. Criteria: ACMG Guidelines, 2015. Collection method: clinical testing. Allele origin: germline. Affected: no.

GeneDx
Classification: Likely benign. Last evaluated: 2016-06-17. Review status: criteria provided, single submitter. Criteria: GeneDx Variant Classification (06012015). Collection method: clinical testing. Allele origin: germline. Affected: yes.
Comment: This variant is considered likely benign or benign based on one or more of the following criteria: it is a conservative change, it occurs at a poorly conserved position in the protein, it is predicted to be benign by multiple in silico algorithms, and/or has population frequency not consistent with disease.

NM_000368.5(TSC1):c.42G>A (p.Leu14=)

Gene: TSC1 (TSC complex subunit 1; minus strand). Cytogenetic location: 9q34.13.
Variant type: single nucleotide variant.
Coding change: c.42G>A on transcript NM_000368.5 (MANE Select); coding-DNA position 42, G replaced by A.
Protein change: p.Leu14=; no amino-acid change (leucine 14 retained).
Molecular consequence: synonymous variant. On other transcripts: 5 prime UTR variant (1).
Genome position (GRCh38, 1-based): chr9:132,928,831, C>T on the plus strand (G>A on the coding strand, the complement: TSC1 is on the minus strand). VCF-style: chr9-132928831-C-T. GRCh37 (hg19) VCF-style: chr9-135804218-C-T.
Other names: c.42G>A, p.Leu14= (NM_001162426.2, NM_001162427.2); c.-218G>A (NM_001362177.2).
Identifiers: ClinVar variation 386964 (VCV000386964.13), dbSNP rs762233181, ClinGen allele CA037509.